The following is an entry in ClinVar:

NC_000009.12:g.113275654T>C

Gene: PRPF4 (pre-mRNA splicing tri-snRNP complex factor PRPF4; plus strand). Cytogenetic location: 9q32.
Variant type: single nucleotide variant.
Genome position: GRCh38 VCF-style: chr9-113275654-T-C. GRCh37 (hg19) VCF-style: chr9-116037934-T-C.
Identifiers: ClinVar variation 1483463 (VCV001483463.7), dbSNP rs927433526, ClinGen allele CA198540116.

ClinVar aggregate classification (germline): Uncertain significance (1 of 4 stars; one submission).

Allele frequency attached by ClinVar (database versions not stated): gnomAD exomes below 0.00001.

Submission:

Labcorp Genetics (formerly Invitae), Labcorp
Classification: Uncertain significance. Last evaluated: 2022-10-17. Review status: criteria provided, single submitter. Criteria: Invitae Variant Classification Sherloc (09022015). Collection method: clinical testing. Allele origin: germline.
Comment: Experimental studies and prediction algorithms are not available or were not evaluated, and the functional significance of this variant is currently unknown. In summary, the available evidence is currently insufficient to determine the role of this variant in disease. Therefore, it has been classified as a Variant of Uncertain Significance. ClinVar contains an entry for this variant (Variation ID: 1483463). This variant has not been reported in the literature in individuals affected with PRPF4-related conditions. This variant is not present in population databases (gnomAD no frequency). This variant occurs in a non-coding region of the PRPF4 gene. It does not change the encoded amino acid sequence of the PRPF4 protein.